The following is an entry in ClinVar:

NM_153603.4(COG7):c.2293A>G (p.Met765Val)

Gene: COG7 (component of oligomeric golgi complex 7; minus strand). Cytogenetic location: 16p12.2.
Variant type: single nucleotide variant.
Coding change: c.2293A>G on transcript NM_153603.4 (MANE Select); coding-DNA position 2293, A replaced by G.
Protein change: p.Met765Val; replaces methionine 765 with valine.
Molecular consequence: missense variant.
Genome position (GRCh38, 1-based): chr16:23,388,940, T>C on the plus strand (A>G on the coding strand, the complement: COG7 is on the minus strand). VCF-style: chr16-23388940-T-C. GRCh37 (hg19) VCF-style: chr16-23400261-T-C.
Other names: c.2293A>G (NM_153603.3); short protein forms M765V.
Identifiers: ClinVar variation 2192204 (VCV002192204.5), dbSNP rs769556611, ClinGen allele CA395115748.

ClinVar aggregate classification (germline): Uncertain significance. Review status: criteria provided, multiple submitters, no conflicts (2 of 4 stars). 2 submissions from 2 submitters: Uncertain significance (2). Last evaluated 2023-12-15.

Conditions:
Inborn genetic diseases. Identifiers: MedGen C0950123, MeSH D030342.
COG7 congenital disorder of glycosylation (CDG2E). Also called: CONGENITAL DISORDER OF GLYCOSYLATION, TYPE IIe; CDG IIe. Identifiers: Orphanet 79333, MedGen C2931010, MONDO:0012118, OMIM 608779.

gnomAD v4.1: 8 of 1,613,292 alleles (0.0005%); highest among the groups gnomAD compares: African/African-American, 0.0027%; no homozygotes.

Submissions (2):

Ambry Genetics
Classification: Uncertain significance for Inborn genetic diseases. Last evaluated: 2023-12-15. Review status: criteria provided, single submitter. Criteria: Ambry Variant Classification Scheme 2023. Collection method: clinical testing. Allele origin: germline.

Labcorp Genetics (formerly Invitae), Labcorp
Classification: Uncertain significance for COG7 congenital disorder of glycosylation. Last evaluated: 2022-05-29. Review status: criteria provided, single submitter. Criteria: Invitae Variant Classification Sherloc (09022015). Collection method: clinical testing. Allele origin: germline.
Comment: This sequence change replaces methionine, which is neutral and non-polar, with valine, which is neutral and non-polar, at codon 765 of the COG7 protein (p.Met765Val). This variant is not present in population databases (gnomAD no frequency). This variant has not been reported in the literature in individuals affected with COG7-related conditions. Algorithms developed to predict the effect of missense changes on protein structure and function are either unavailable or do not agree on the potential impact of this missense change (SIFT: "Deleterious"; PolyPhen-2: "Possibly Damaging"; Align-GVGD: "Class C0"). In summary, the available evidence is currently insufficient to determine the role of this variant in disease. Therefore, it has been classified as a Variant of Uncertain Significance.